The following is an entry in ClinVar:

ClinVar aggregate classification (germline): Uncertain significance (1 of 4 stars; one submission).

Allele frequency attached by ClinVar (database versions not stated): gnomAD exomes 0.00001; gnomAD 0.00004; TOPMed 0.00008.
gnomAD v4.1: 15 of 1,612,928 alleles (0.00093%); highest among the groups gnomAD compares: African/African-American, 0.019%; no homozygotes.

Submission:

Labcorp Genetics (formerly Invitae), Labcorp
Classification: Uncertain significance. Last evaluated: 2022-11-16. Review status: criteria provided, single submitter. Criteria: Invitae Variant Classification Sherloc (09022015). Collection method: clinical testing. Allele origin: germline.
Comment: In summary, the available evidence is currently insufficient to determine the role of this variant in disease. Therefore, it has been classified as a Variant of Uncertain Significance. Advanced modeling of protein sequence and biophysical properties (such as structural, functional, and spatial information, amino acid conservation, physicochemical variation, residue mobility, and thermodynamic stability) performed at Invitae indicates that this missense variant is not expected to disrupt KIF22 protein function. This variant has not been reported in the literature in individuals affected with KIF22-related conditions. This variant is present in population databases (no rsID available, gnomAD 0.01%). This sequence change replaces methionine, which is neutral and non-polar, with threonine, which is neutral and polar, at codon 69 of the KIF22 protein (p.Met69Thr).

NM_007317.3(KIF22):c.206T>C (p.Met69Thr)

Gene: KIF22 (kinesin family member 22; plus strand). Cytogenetic location: 16p11.2.
Variant type: single nucleotide variant.
Coding change: c.206T>C on transcript NM_007317.3 (MANE Select); coding-DNA position 206, T replaced by C.
Protein change: p.Met69Thr; replaces methionine 69 with threonine.
Molecular consequence: missense variant. On other transcripts: initiator codon variant (2).
Genome position (GRCh38, 1-based): chr16:29,797,028, T>C. VCF-style: chr16-29797028-T-C. GRCh37 (hg19) VCF-style: chr16-29808349-T-C.
Other names: c.2T>C, p.Met1Thr (NM_001256269.2, NM_001256270.1); short protein forms M69T, M1T.
Identifiers: ClinVar variation 3014762 (VCV003014762.3), dbSNP rs1018339588, ClinGen allele CA280383747.
Genomic context (GRCh38, chr16:29,797,028, plus strand): 5'-GACTGCGGCCATTTGTGGATGGAACAGCGGGAGCAAGTGATCCCCCCTGTGTGCGGGGCA[T>C]GGACAGCTGCTCTCTAGAGATTGCTAACTGGAGGAACCACCAGGAGACTCTCAAATACCA-3'
Protein context (NP_015556.1, residues 59-79): GASDPPCVRG[Met69Thr]DSCSLEIANW